The following is an entry in ClinVar:

NM_004836.7(EIF2AK3):c.2909C>T (p.Thr970Met)

Genes: EIF2AK3 (eukaryotic translation initiation factor 2 alpha kinase 3; minus strand), EIF2AK3-AS1 (EIF2AK3 antisense RNA 1; plus strand). Cytogenetic location: 2p11.2.
Variant type: single nucleotide variant.
Coding change: c.2909C>T on transcript NM_004836.7 (MANE Select); coding-DNA position 2909, C replaced by T.
Protein change: p.Thr970Met; replaces threonine 970 with methionine.
Molecular consequence: missense variant.
Genome position (GRCh38, 1-based): chr2:88,570,950, G>A on the plus strand (C>T on the coding strand, the complement: EIF2AK3 is on the minus strand). VCF-style: chr2-88570950-G-A. GRCh37 (hg19) VCF-style: chr2-88870468-G-A.
Other names: c.2456C>T, p.Thr819Met (NM_001313915.2); short protein forms T970M, T819M.
Identifiers: ClinVar variation 1509675 (VCV001509675.4), dbSNP rs751166753, ClinGen allele CA1754375.

ClinVar aggregate classification (germline): Uncertain significance. Review status: criteria provided, multiple submitters, no conflicts (2 of 4 stars). 2 submissions from 2 submitters: Uncertain significance (2). Last evaluated 2024-03-09.

Conditions:
Wolcott-Rallison dysplasia. Also called: Wolcott-Rallison syndrome; MED-IDDM SYNDROME. Identifiers: Orphanet 1667, MedGen C0432217, MONDO:0009192, OMIM 226980.

Allele frequency attached by ClinVar (database versions not stated): gnomAD exomes 0.00001 and 0.00002; ExAC 0.00003; gnomAD 0.00003 and 0.00004; TOPMed 0.00003.
gnomAD v4.1: 26 of 1,613,994 alleles (0.0016%); highest among the groups gnomAD compares: African/African-American, 0.0067%; no homozygotes.

Submissions (2):

Fulgent Genetics
Classification: Uncertain significance for Wolcott-Rallison dysplasia. Last evaluated: 2024-03-09. Review status: criteria provided, single submitter. Criteria: ACMG Guidelines, 2015. Collection method: clinical testing. Allele origin: germline.

Labcorp Genetics (formerly Invitae), Labcorp
Classification: Uncertain significance. Last evaluated: 2022-07-26. Review status: criteria provided, single submitter. Criteria: Invitae Variant Classification Sherloc (09022015). Collection method: clinical testing. Allele origin: germline.
Comment: This sequence change replaces threonine, which is neutral and polar, with methionine, which is neutral and non-polar, at codon 970 of the EIF2AK3 protein (p.Thr970Met). This variant is present in population databases (rs751166753, gnomAD 0.02%). This variant has not been reported in the literature in individuals affected with EIF2AK3-related conditions. ClinVar contains an entry for this variant (Variation ID: 1509675). Algorithms developed to predict the effect of missense changes on protein structure and function output the following: SIFT: "Tolerated"; PolyPhen-2: "Benign"; Align-GVGD: "Class C0". The methionine amino acid residue is found in multiple mammalian species, which suggests that this missense change does not adversely affect protein function. In summary, the available evidence is currently insufficient to determine the role of this variant in disease. Therefore, it has been classified as a Variant of Uncertain Significance.